The following is an entry in ClinVar:

ClinVar aggregate classification (germline): Uncertain significance. Review status: criteria provided, multiple submitters, no conflicts (2 of 4 stars). 2 submissions from 2 submitters: Uncertain significance (2). Last evaluated 2026-03-20.

Conditions:
Bardet-Biedl syndrome 16 (BBS16). Identifiers: Orphanet 110, MedGen C3889474, MONDO:0014444, OMIM 615993.
Senior-Loken syndrome 7 (SLSN7). Identifiers: Orphanet 3156, MedGen C3150877, MONDO:0013326, OMIM 613615.
SDCCAG8-related disorder. Also called: SDCCAG8-Related Disorders; SDCCAG8-related condition.

Allele frequency attached by ClinVar (database versions not stated): gnomAD exomes below 0.00001.

Submissions (2):

PreventionGenetics, part of Exact Sciences
Classification: Uncertain significance for SDCCAG8-related condition. Last evaluated: 2026-03-20. Review status: criteria provided, single submitter. Criteria: ACMG Guidelines, 2015. Collection method: clinical testing. Allele origin: germline.
Comment: The SDCCAG8 c.277C>T variant is predicted to result in the amino acid substitution p.Pro93Ser. To our knowledge, this variant has not been reported in the literature. This variant is reported in 0.0029% of alleles in individuals of Latino descent in gnomAD. At this time, the clinical significance of this variant is uncertain due to the absence of conclusive functional and genetic evidence.

Labcorp Genetics (formerly Invitae), Labcorp
Classification: Uncertain significance for Bardet-Biedl syndrome 16; Senior-Loken syndrome 7. Last evaluated: 2022-07-19. Review status: criteria provided, single submitter. Criteria: Invitae Variant Classification Sherloc (09022015). Collection method: clinical testing. Allele origin: germline.
Comment: This sequence change replaces proline, which is neutral and non-polar, with serine, which is neutral and polar, at codon 93 of the SDCCAG8 protein (p.Pro93Ser). This variant is present in population databases (no rsID available, gnomAD 0.003%). This variant has not been reported in the literature in individuals affected with SDCCAG8-related conditions. ClinVar contains an entry for this variant (Variation ID: 964771). Algorithms developed to predict the effect of missense changes on protein structure and function (SIFT, PolyPhen-2, Align-GVGD) all suggest that this variant is likely to be tolerated. In summary, the available evidence is currently insufficient to determine the role of this variant in disease. Therefore, it has been classified as a Variant of Uncertain Significance.

NM_006642.5(SDCCAG8):c.277C>T (p.Pro93Ser)

Gene: SDCCAG8 (SHH signaling and ciliogenesis regulator SDCCAG8; plus strand). Cytogenetic location: 1q43.
Variant type: single nucleotide variant.
Coding change: c.277C>T on transcript NM_006642.5 (MANE Select); coding-DNA position 277, C replaced by T.
Protein change: p.Pro93Ser; replaces proline 93 with serine.
Molecular consequence: missense variant. On other transcripts: 5 prime UTR variant (4).
Genome position (GRCh38, 1-based): chr1:243,271,034, C>T. VCF-style: chr1-243271034-C-T. GRCh37 (hg19) VCF-style: chr1-243434336-C-T.
Other names: c.-836C>T (NM_001350246.2); c.-724C>T (NM_001350247.2); c.277C>T, p.Pro93Ser (NM_001350248.2); c.-18C>T (NM_001350249.2); c.-1097C>T (NM_001350251.2); short protein forms P93S.
Identifiers: ClinVar variation 964771 (VCV000964771.8), dbSNP rs1284369812, ClinGen allele CA345475047.
Genomic context (GRCh38, chr1:243,271,034, plus strand): 5'-ATAGTTAATCAGCTCAAAGATTTGTTGCGCCAACAAGCAGATAAGGAAAGTGAAGTATCT[C>T]CGTCAAGAAGAAGAAAAATGTCCCCCTTGGTAAGTATCAACTTTTCCAAGTTGACAAAGC-3'
Protein context (NP_006633.1, residues 83-103): QQADKESEVS[Pro93Ser]SRRRKMSPLR